The following is an entry in ClinVar:

ClinVar aggregate classification (germline): Uncertain significance (1 of 4 stars; one submission).

Conditions:
Inborn genetic diseases. Identifiers: MedGen C0950123, MeSH D030342.

Allele frequency attached by ClinVar (database versions not stated): gnomAD 0.00001; ExAC 0.00002; gnomAD exomes 0.00002; TOPMed 0.00002.
gnomAD v4.1: 46 of 1,204,350 alleles (0.0038%); highest among the groups gnomAD compares: Non-Finnish European, 0.0049%; no homozygotes.

Submission:

Ambry Genetics
Classification: Uncertain significance for Inborn genetic diseases. Last evaluated: 2017-04-27. Review status: criteria provided, single submitter. Criteria: Ambry General Variant Classification Scheme_2022. Collection method: clinical testing. Allele origin: germline. Observed: 1 variant allele.
Comment: The p.D555N variant (also known as c.1663G>A), located in coding exon 16 of the FMR1 gene, results from a G to A substitution at nucleotide position 1663. The aspartic acid at codon 555 is replaced by asparagine, an amino acid with highly similar properties. This amino acid position is well conserved in available vertebrate species; however, Glutamic acid is the reference amino acid in other vertebrate species. In addition, this alteration is predicted to be tolerated by in silico analysis. Since supporting evidence is limited at this time, the clinical significance of this alteration remains unclear.

NM_002024.6(FMR1):c.1663G>A (p.Asp555Asn)

Gene: FMR1 (fragile X messenger ribonucleoprotein 1; plus strand). Cytogenetic location: Xq27.3.
Variant type: single nucleotide variant.
Coding change: c.1663G>A on transcript NM_002024.6 (MANE Select); coding-DNA position 1663, G replaced by A.
Protein change: p.Asp555Asn; replaces aspartic acid 555 with asparagine.
Molecular consequence: missense variant. On other transcripts: synonymous variant (2), non-coding transcript variant (2).
Genome position (GRCh38, 1-based): chrX:147,945,542, G>A. VCF-style: chrX-147945542-G-A. GRCh37 (hg19) VCF-style: chrX-147027062-G-A.
Other names: c.1392G>A, p.Thr464= (NM_001185075.2); c.1600G>A, p.Asp534Asn (NM_001185076.2); c.1329G>A, p.Thr443= (NM_001185081.2); c.1525G>A, p.Asp509Asn (NM_001185082.2); short protein forms D555N, D509N, D534N.
Identifiers: ClinVar variation 589641 (VCV000589641.4), dbSNP rs782156891, ClinGen allele CA10536369.